The following is an entry in ClinVar:

NM_024529.5(CDC73):c.1316+4A>G

Gene: CDC73 (cell division cycle 73; plus strand). Cytogenetic location: 1q31.2.
Variant type: single nucleotide variant.
Coding change: c.1316+4A>G on transcript NM_024529.5 (MANE Select); 4 bases into the intron after coding-DNA position 1316, A replaced by G.
Molecular consequence: intron variant.
Genome position (GRCh38, 1-based): chr1:193,233,158, A>G. VCF-style: chr1-193233158-A-G. GRCh37 (hg19) VCF-style: chr1-193202288-A-G.
Other names: c.1316+4A>G (NM_024529.4).
Identifiers: ClinVar variation 1436609 (VCV001436609.7), dbSNP rs2102058500, ClinGen allele CA2573131390.

ClinVar aggregate classification (germline): Uncertain significance. Review status: criteria provided, multiple submitters, no conflicts (2 of 4 stars). 2 submissions from 2 submitters: Uncertain significance (2). Last evaluated 2025-11-14.

Conditions:
Parathyroid carcinoma (PRTC). Also called: CDC73-Related Parathyroid Carcinoma; Parathyroid gland carcinoma. Identifiers: Orphanet 143, MedGen C0687150, MONDO:0012004, OMIM 608266, HP:0006780.
Hereditary cancer-predisposing syndrome. Also called: Neoplastic Syndromes, Hereditary; Hereditary Cancer Syndrome; Hereditary neoplastic syndrome; Tumor predisposition. Identifiers: Orphanet 140162, MedGen C0027672, MeSH D009386, MONDO:0015356.

Submissions (2):

Ambry Genetics
Classification: Uncertain significance for Hereditary cancer-predisposing syndrome. Last evaluated: 2025-11-14. Review status: criteria provided, single submitter. Criteria: Ambry Variant Classification Scheme 2023. Collection method: clinical testing. Allele origin: germline.
Comment: The c.1316+4A>G intronic variant results from an A to G substitution 4 nucleotides after coding exon 14 in the CDC73 gene. This nucleotide position is well conserved in available vertebrate species. In silico splice site analysis predicts that this alteration will weaken the native splice donor site. Based on the available evidence, the clinical significance of this variant remains unclear.

Labcorp Genetics (formerly Invitae), Labcorp
Classification: Uncertain significance for Parathyroid carcinoma. Last evaluated: 2021-03-26. Review status: criteria provided, single submitter. Criteria: Invitae Variant Classification Sherloc (09022015). Collection method: clinical testing. Allele origin: germline.
Comment: This sequence change falls in intron 14 of the CDC73 gene. It does not directly change the encoded amino acid sequence of the CDC73 protein. It affects a nucleotide within the consensus splice site of the intron. This variant is not present in population databases (ExAC no frequency). This variant has not been reported in the literature in individuals with CDC73-related conditions. Nucleotide substitutions within the consensus splice site are a relatively common cause of aberrant splicing (PMID: 17576681, 9536098). Algorithms developed to predict the effect of sequence changes on RNA splicing suggest that this variant may disrupt the consensus splice site, but this prediction has not been confirmed by published transcriptional studies. In summary, the available evidence is currently insufficient to determine the role of this variant in disease. Therefore, it has been classified as a Variant of Uncertain Significance.

Literature cited by the submitters: PubMed 17576681 (cited by Labcorp Genetics (formerly Invitae), Labcorp); PubMed 9536098 (cited by Labcorp Genetics (formerly Invitae), Labcorp).